The following is an entry in ClinVar:

NC_000003.11:g.(?_195778813)_(195780449_?)dup

Gene: TFRC (transferrin receptor; minus strand). Cytogenetic location: 3q29.
Variant type: Duplication.
Identifiers: ClinVar variation 3246988 (VCV003246988.1).

ClinVar aggregate classification (germline): Uncertain significance (1 of 4 stars; one submission).

Submission:

Labcorp Genetics (formerly Invitae), Labcorp
Classification: Uncertain significance. Last evaluated: 2023-09-18. Review status: criteria provided, single submitter. Criteria: Invitae Variant Classification Sherloc (09022015). Collection method: clinical testing. Allele origin: unknown.
Comment: In summary, the available evidence is currently insufficient to determine the role of this variant in disease. Therefore, it has been classified as a Variant of Uncertain Significance. Experimental studies and prediction algorithms are not available or were not evaluated, and the functional significance of this variant is currently unknown. This variant has not been reported in the literature in individuals affected with TFRC-related conditions. This variant results in a copy number gain of the genomic region encompassing exon(s) 18-19 of the TFRC gene. This region includes the termination codon of the gene. This copy number gain extends beyond the assayed region for this gene and therefore may encompass additional genes. As the precise location of this event is unknown, it may be in tandem or it may be located elsewhere in the genome.